The following is an entry in ClinVar:

NM_004483.5(GCSH):c.42C>T (p.Cys14=)

Genes: GCSH (glycine cleavage system protein H; minus strand), LOC130059495 (ATAC-STARR-seq lymphoblastoid silent region 7751; plus strand). Cytogenetic location: 16q23.2.
Variant type: single nucleotide variant.
Coding change: c.42C>T on transcript NM_004483.5 (MANE Select); coding-DNA position 42, C replaced by T.
Protein change: p.Cys14=; no amino-acid change (cysteine 14 retained).
Molecular consequence: synonymous variant. On other transcripts: non-coding transcript variant (1).
Genome position (GRCh38, 1-based): chr16:81,096,237, G>A on the plus strand (C>T on the coding strand, the complement: GCSH is on the minus strand). VCF-style: chr16-81096237-G-A. GRCh37 (hg19) VCF-style: chr16-81129842-G-A.
Identifiers: ClinVar variation 3048997 (VCV003048997.2), dbSNP rs2151776041, ClinGen allele CA496442483.

ClinVar aggregate classification (germline): Likely benign (0 of 4 stars; one submission).

Conditions:
GCSH-related disorder. Also called: GCSH-related condition.

Allele frequency attached by ClinVar (database versions not stated): gnomAD 0.00001.

Submission:

PreventionGenetics, part of Exact Sciences
Classification: Likely benign for GCSH-related condition. Last evaluated: 2020-06-10. Review status: no assertion criteria provided. Collection method: clinical testing. Allele origin: germline.
Comment: This variant is classified as likely benign based on ACMG/AMP sequence variant interpretation guidelines (Richards et al. 2015 PMID: 25741868, with internal and published modifications).